The following is an entry in ClinVar:

ClinVar aggregate classification (germline): Uncertain significance (1 of 4 stars; one submission).

Submission:

GeneDx
Classification: Uncertain significance. Last evaluated: 2022-08-12. Review status: criteria provided, single submitter. Criteria: GeneDx Variant Classification Process June 2021. Collection method: clinical testing. Allele origin: germline. Affected: yes.
Comment: Not observed at significant frequency in large population cohorts (gnomAD); In silico analysis supports that this missense variant does not alter protein structure/function; Has not been previously published as pathogenic or benign to our knowledge

NM_000051.4(ATM):c.4599G>C (p.Glu1533Asp)

Gene: ATM (ATM serine/threonine kinase; plus strand). Cytogenetic location: 11q22.3.
Variant type: single nucleotide variant.
Coding change: c.4599G>C on transcript NM_000051.4 (MANE Select); coding-DNA position 4599, G replaced by C.
Protein change: p.Glu1533Asp; replaces glutamic acid 1533 with aspartic acid.
Molecular consequence: missense variant.
Genome position (GRCh38, 1-based): chr11:108,292,781, G>C. VCF-style: chr11-108292781-G-C. GRCh37 (hg19) VCF-style: chr11-108163508-G-C.
Other names: c.4599G>C, p.Glu1533Asp (NM_001351834.2); short protein forms E1533D.
Identifiers: ClinVar variation 2429665 (VCV002429665.1), dbSNP rs1274454004, ClinGen allele CA382534042.